The following is an entry in ClinVar:

NM_000376.3(VDR):c.444C>T (p.Ser148=)

Gene: VDR (vitamin D receptor; minus strand). Cytogenetic location: 12q13.11.
Variant type: single nucleotide variant.
Coding change: c.444C>T on transcript NM_000376.3 (MANE Select); coding-DNA position 444, C replaced by T.
Protein change: p.Ser148=; no amino-acid change (serine 148 retained).
Molecular consequence: synonymous variant.
Genome position (GRCh38, 1-based): chr12:47,857,522, G>A on the plus strand (C>T on the coding strand, the complement: VDR is on the minus strand). VCF-style: chr12-47857522-G-A. GRCh37 (hg19) VCF-style: chr12-48251305-G-A.
Other names: p.Ser148=; c.444C>T, p.Ser148= (NM_001017535.2, NM_001364085.2, NM_001374661.1 and 1 more transcripts); c.594C>T, p.Ser198= (NM_001017536.2).
Identifiers: ClinVar variation 791551 (VCV000791551.15), dbSNP rs2229828, ClinGen allele CA6533945.
Genomic context (GRCh38, chr12:47,857,522, plus strand): 5'-TTCTCCTCTGGACCGGCTCATCCTCCCAGCAGGCAGACATACCCGGAACTGGCAGAAGTC[G>A]GAGTAGGTGGGGTCGTAGGTCTTATGGTGGGCGTCCAGCAGTATGGCAATGATGCGCTGC-3'
Protein context (NP_000367.1, residues 138-158): AHHKTYDPTY[Ser148=]DFCQFRPPVR

ClinVar aggregate classification (germline): Benign/Likely benign. Review status: criteria provided, multiple submitters, no conflicts (2 of 4 stars). 4 submissions from 4 submitters: Benign (2); Likely benign (2). Last evaluated 2026-01-31.

Conditions:
Vitamin D-dependent rickets type II with alopecia (VDDR2A). Also called: GENERALIZED RESISTANCE TO 1,25-DIHYDROXYVITAMIN D; HYPOCALCEMIC VITAMIN D-RESISTANT RICKETS; PDDR IIA; Vitamin D-dependent rickets, type 2A; PSEUDOVITAMIN D-DEFICIENCY, TYPE IIA; RICKETS, HEREDITARY VITAMIN D-RESISTANT. Identifiers: Orphanet 93160, MedGen C0342646, MONDO:0010186, OMIM 277440.

Allele frequency attached by ClinVar (database versions not stated): gnomAD exomes 0.00065 and 0.00163; ExAC 0.00199; gnomAD 0.00592 and 0.00638; 1000 Genomes Project 30x 0.00609; 1000 Genomes Project 0.00659; ESP Exome Variant Server 0.00669; TOPMed 0.00696.
gnomAD v4.1: 1,899 of 1,614,158 alleles (0.12%); highest among the groups gnomAD compares: African/African-American, 2.2%; 21 homozygotes.

Submissions (4):

Labcorp Genetics (formerly Invitae), Labcorp
Classification: Benign. Last evaluated: 2026-01-31. Review status: criteria provided, single submitter. Criteria: Invitae Variant Classification Sherloc (09022015). Collection method: clinical testing. Allele origin: germline.

Mayo Clinic Laboratories, Mayo Clinic
Classification: Benign. Last evaluated: 2025-08-28. Review status: criteria provided, single submitter. Criteria: ACMG Guidelines, 2015. Collection method: clinical testing. Allele origin: germline. Observed: 1 variant allele.
Comment: BS1, BS2, BP4, BP7

Illumina Laboratory Services, Illumina
Classification: Likely benign for Vitamin D-dependent rickets type II with alopecia. Last evaluated: 2017-04-27. Review status: criteria provided, single submitter. Criteria: ICSL Variant Classification Criteria 13 December 2019. Collection method: clinical testing. Allele origin: germline.
Comment: This variant was observed as part of a predisposition screen in an ostensibly healthy population. A literature search was performed for the gene, cDNA change, and amino acid change (where applicable). No publications were found based on this search. Allele frequency data from public databases allowed determination this variant is unlikely to cause disease. Therefore, this variant is classified as likely benign.

Breakthrough Genomics
Classification: Likely benign. Review status: criteria provided, single submitter. Criteria: ACMG Guidelines, 2015. Collection method: not provided. Allele origin: germline. Inheritance: Autosomal recessive inheritance. Affected: yes.